The following is an entry in ClinVar:

NM_000138.5(FBN1):c.4084A>C (p.Thr1362Pro)

Gene: FBN1 (fibrillin 1; minus strand). Cytogenetic location: 15q21.1.
Variant type: single nucleotide variant.
Coding change: c.4084A>C on transcript NM_000138.5 (MANE Select); coding-DNA position 4084, A replaced by C.
Protein change: p.Thr1362Pro; replaces threonine 1362 with proline.
Molecular consequence: missense variant.
Genome position (GRCh38, 1-based): chr15:48,474,531, T>G on the plus strand (A>C on the coding strand, the complement: FBN1 is on the minus strand). VCF-style: chr15-48474531-T-G. GRCh37 (hg19) VCF-style: chr15-48766728-T-G.
Other names: short protein forms T1362P.
Identifiers: ClinVar variation 924587 (VCV000924587.4), dbSNP rs2043403949, ClinGen allele CA392320402.

ClinVar aggregate classification (germline): Uncertain significance (1 of 4 stars; one submission).

Conditions:
Familial thoracic aortic aneurysm and aortic dissection (TAAD). Also called: Thoracic aortic aneurysms and dissections. Identifiers: Orphanet 91387, MedGen C4707243, MONDO:0019625.

Submission:

Color Diagnostics, LLC DBA Color Health
Classification: Uncertain significance for Familial thoracic aortic aneurysm and aortic dissection. Last evaluated: 2024-03-06. Review status: criteria provided, single submitter. Criteria: ACMG Guidelines, 2015. Collection method: clinical testing. Allele origin: germline.
Comment: This missense variant replaces threonine with proline at codon 1362 of the FBN1 protein. Computational prediction is inconclusive regarding the impact of this variant on protein structure and function (internally defined REVEL score threshold 0.5 < inconclusive < 0.7, PMID: 27666373). Splice site prediction tools suggest that this variant may not impact RNA splicing. To our knowledge, functional studies have not been reported for this variant. This variant has not been reported in individuals affected with cardiovascular disorders in the literature. This variant has not been identified in the general population by the Genome Aggregation Database (gnomAD). The available evidence is insufficient to determine the role of this variant in disease conclusively. Therefore, this variant is classified as a Variant of Uncertain Significance.